The following is an entry in ClinVar:

ClinVar aggregate classification (germline): Uncertain significance. Review status: criteria provided, multiple submitters, no conflicts (2 of 4 stars). 2 submissions from 2 submitters: Uncertain significance (2). Last evaluated 2023-01-20.

Conditions:
Inosine triphosphatase deficiency. Also called: INOSINE TRIPHOSPHATE PYROPHOSPHOHYDROLASE DEFICIENCY. Identifiers: MedGen C0342800, MONDO:0013461, OMIM 613850.
Inborn genetic diseases. Identifiers: MedGen C0950123, MeSH D030342.

Allele frequency attached by ClinVar (database versions not stated): gnomAD exomes 0.00001.
gnomAD v4.1: 10 of 1,614,022 alleles (0.00062%); highest among the groups gnomAD compares: Non-Finnish European, 0.00085%; no homozygotes.

Submissions (2):

Ambry Genetics
Classification: Uncertain significance for Inborn genetic diseases. Last evaluated: 2023-01-20. Review status: criteria provided, single submitter. Criteria: Ambry Variant Classification Scheme 2023. Collection method: clinical testing. Allele origin: germline.

Labcorp Genetics (formerly Invitae), Labcorp
Classification: Uncertain significance for Inosine triphosphatase deficiency. Last evaluated: 2022-06-22. Review status: criteria provided, single submitter. Criteria: Invitae Variant Classification Sherloc (09022015). Collection method: clinical testing. Allele origin: germline.
Comment: In summary, the available evidence is currently insufficient to determine the role of this variant in disease. Therefore, it has been classified as a Variant of Uncertain Significance. Algorithms developed to predict the effect of missense changes on protein structure and function are either unavailable or do not agree on the potential impact of this missense change (SIFT: "Deleterious"; PolyPhen-2: "Benign"; Align-GVGD: "Class C0"). This variant has not been reported in the literature in individuals affected with ITPA-related conditions. This variant is not present in population databases (gnomAD no frequency). This sequence change replaces valine, which is neutral and non-polar, with phenylalanine, which is neutral and non-polar, at codon 61 of the ITPA protein (p.Val61Phe).

NM_033453.4(ITPA):c.181G>T (p.Val61Phe)

Gene: ITPA (inosine triphosphatase; plus strand). Cytogenetic location: 20p13.
Variant type: single nucleotide variant.
Coding change: c.181G>T on transcript NM_033453.4 (MANE Select); coding-DNA position 181, G replaced by T.
Protein change: p.Val61Phe; replaces valine 61 with phenylalanine.
Molecular consequence: missense variant. On other transcripts: 5 prime UTR variant (4), intron variant (1).
Genome position (GRCh38, 1-based): chr20:3,213,375, G>T. VCF-style: chr20-3213375-G-T. GRCh37 (hg19) VCF-style: chr20-3194021-G-T.
Other names: c.-157G>T (NM_001324236.2, NM_001324237.2, NM_001324238.2 and 1 more transcripts); c.181G>T, p.Val61Phe (NM_001324240.2, NM_001424408.1); c.307G>T, p.Val103Phe (NM_001424409.1); c.130G>T, p.Val44Phe (NM_181493.4); c.67-610G>T (NM_001267623.2); short protein forms V44F, V61F, V103F.
Identifiers: ClinVar variation 2009510 (VCV002009510.6), dbSNP rs1368986252, ClinGen allele CA408077391.